The following is an entry in ClinVar:

ClinVar aggregate classification (germline): Uncertain significance (1 of 4 stars; one submission).

Submission:

Labcorp Genetics (formerly Invitae), Labcorp
Classification: Uncertain significance. Last evaluated: 2022-07-14. Review status: criteria provided, single submitter. Criteria: Invitae Variant Classification Sherloc (09022015). Collection method: clinical testing. Allele origin: germline.
Comment: This sequence change replaces glutamine, which is neutral and polar, with histidine, which is basic and polar, at codon 174 of the TTC37 protein (p.Gln174His). This variant is not present in population databases (gnomAD no frequency). This variant has not been reported in the literature in individuals affected with TTC37-related conditions. Algorithms developed to predict the effect of missense changes on protein structure and function (SIFT, PolyPhen-2, Align-GVGD) all suggest that this variant is likely to be tolerated. In summary, the available evidence is currently insufficient to determine the role of this variant in disease. Therefore, it has been classified as a Variant of Uncertain Significance.

NM_014639.4(SKIC3):c.522G>C (p.Gln174His)

Gene: SKIC3 (SKI3 subunit of superkiller complex; minus strand). Cytogenetic location: 5q15.
Variant type: single nucleotide variant.
Coding change: c.522G>C on transcript NM_014639.4 (MANE Select); coding-DNA position 522, G replaced by C.
Protein change: p.Gln174His; replaces glutamine 174 with histidine.
Molecular consequence: missense variant.
Genome position (GRCh38, 1-based): chr5:95,540,711, C>G on the plus strand (G>C on the coding strand, the complement: SKIC3 is on the minus strand). VCF-style: chr5-95540711-C-G. GRCh37 (hg19) VCF-style: chr5-94876415-C-G.
Other names: short protein forms Q174H.
Identifiers: ClinVar variation 2017123 (VCV002017123.4), dbSNP rs2530802366, ClinGen allele CA360443202.